The following is an entry in ClinVar:

NM_001164508.2(NEB):c.17865T>G (p.His5955Gln)

Gene: NEB (nebulin; minus strand). Cytogenetic location: 2q23.3.
Variant type: single nucleotide variant.
Coding change: c.17865T>G on transcript NM_001164508.2 (MANE Select); coding-DNA position 17865, T replaced by G.
Protein change: p.His5955Gln; replaces histidine 5955 with glutamine.
Molecular consequence: missense variant.
Genome position (GRCh38, 1-based): chr2:151,567,459, A>C on the plus strand (T>G on the coding strand, the complement: NEB is on the minus strand). VCF-style: chr2-151567459-A-C. GRCh37 (hg19) VCF-style: chr2-152423973-A-C.
Other names: c.17865T>G, p.His5955Gln (NM_001164507.2, NM_001271208.2); c.12762T>G, p.His4254Gln (NM_004543.5); short protein forms H5955Q, H4254Q.
Identifiers: ClinVar variation 533998 (VCV000533998.1), dbSNP rs1394078245, ClinGen allele CA348804106.

ClinVar aggregate classification (germline): Uncertain significance (1 of 4 stars; one submission).

Conditions:
Nemaline myopathy 2 (NEM2). Also called: Nemaline myopathy 2, autosomal recessive. Identifiers: MedGen C1850569, MONDO:0009725, OMIM 256030.

Submission:

Labcorp Genetics (formerly Invitae), Labcorp
Classification: Uncertain significance for Nemaline myopathy 2. Last evaluated: 2018-02-19. Review status: criteria provided, single submitter. Criteria: Invitae Variant Classification Sherloc (09022015). Collection method: clinical testing. Allele origin: germline.
Comment: This sequence change replaces histidine with glutamine at codon 5955 of the NEB protein (p.His5955Gln). The histidine residue is moderately conserved and there is a small physicochemical difference between histidine and glutamine. This variant is not present in population databases (ExAC no frequency). This variant has not been reported in the literature in individuals with NEB-related disease. Algorithms developed to predict the effect of missense changes on protein structure and function do not agree on the potential impact of this missense change (SIFT: "Deleterious"; PolyPhen-2: "Not available"; Align-GVGD: "Class C0"). In summary, the available evidence is currently insufficient to determine the role of this variant in disease. Therefore, it has been classified as a Variant of Uncertain Significance.